The following is an entry in ClinVar:

NM_138694.4(PKHD1):c.3582C>A (p.Tyr1194Ter)

Gene: PKHD1 (PKHD1 ciliary IPT domain containing fibrocystin/polyductin; minus strand). Cytogenetic location: 6p12.2.
Variant type: single nucleotide variant.
Coding change: c.3582C>A on transcript NM_138694.4 (MANE Select); coding-DNA position 3582, C replaced by A.
Protein change: p.Tyr1194Ter; replaces tyrosine 1194 with a stop codon.
Molecular consequence: nonsense.
Genome position (GRCh38, 1-based): chr6:52,027,875, G>T on the plus strand (C>A on the coding strand, the complement: PKHD1 is on the minus strand). VCF-style: chr6-52027875-G-T. GRCh37 (hg19) VCF-style: chr6-51892673-G-T.
Other names: c.3582C>A, p.Tyr1194Ter (NM_170724.3); short protein forms Y1194*.
Identifiers: ClinVar variation 1726496 (VCV001726496.3), dbSNP rs2532778313, ClinGen allele CA364440103.

ClinVar aggregate classification (germline): Likely pathogenic. Review status: criteria provided, multiple submitters, no conflicts (2 of 4 stars). 2 submissions from 2 submitters: Likely pathogenic (2). Last evaluated 2024-03-30.

Conditions:
Polycystic kidney disease 4 (PKD4). Also called: POLYCYSTIC KIDNEY AND HEPATIC DISEASE 1; POLYCYSTIC KIDNEY DISEASE, INFANTILE, TYPE I; POLYCYSTIC KIDNEY DISEASE 4 WITH OR WITHOUT POLYCYSTIC LIVER DISEASE; PKD3; Autosomal Recessive Polycystic Kidney Disease – PKHD1. Identifiers: MedGen C4540575, MONDO:0033004, OMIM 263200.

Submissions (2):

Fulgent Genetics
Classification: Likely pathogenic for Polycystic kidney disease 4. Last evaluated: 2024-03-30. Review status: criteria provided, single submitter. Criteria: ACMG Guidelines, 2015. Collection method: clinical testing. Allele origin: germline.

Myriad Genetics, Inc.
Classification: Likely pathogenic for Polycystic kidney disease 4. Last evaluated: 2021-12-17. Review status: criteria provided, single submitter. Criteria: Myriad Women's Health Autosomal Recessive and X-Linked Classification Criteria (2021). Collection method: clinical testing. Allele origin: unknown.
Comment: NM_138694.3(PKHD1):c.3582C>A(Y1194*) is expected to be pathogenic in the context of autosomal recessive polycystic kidney disease, PKHD1-related. This variant is predicted to lead to an abnormal or absent protein product due to the creation of a premature termination codon in PKHD1, a gene where loss-of-function variants are known to be pathogenic. Please note: this variant was assessed in the context of healthy population screening.